The following is an entry in ClinVar:

ClinVar aggregate classification (germline): Uncertain significance (1 of 4 stars; one submission).

Submission:

Dasa
Classification: Uncertain significance. Last evaluated: 2025-10-08. Review status: criteria provided, single submitter. Criteria: DASA Assertion Criteria. Collection method: clinical testing. Allele origin: germline.
Comment: NM_003482.4(KMT2D):c.1765C>T (p.Pro589Ser) is a missense variant that results in the substitution of proline with serine. This variant is absent from population databases. The currently available literature and clinical evidence are not sufficient to establish a definitive association between this variant and the reported condition. Therefore, this variant is classified as a variant of uncertain significance.

NM_003482.4(KMT2D):c.1765C>T (p.Pro589Ser)

Gene: KMT2D (lysine methyltransferase 2D; minus strand). Cytogenetic location: 12q13.12.
Variant type: single nucleotide variant.
Coding change: c.1765C>T on transcript NM_003482.4 (MANE Select); coding-DNA position 1765, C replaced by T.
Protein change: p.Pro589Ser; replaces proline 589 with serine.
Molecular consequence: missense variant.
Genome position (GRCh38, 1-based): chr12:49,051,918, G>A on the plus strand (C>T on the coding strand, the complement: KMT2D is on the minus strand). VCF-style: chr12-49051918-G-A. GRCh37 (hg19) VCF-style: chr12-49445701-G-A.
Other names: short protein forms P589S.
Identifiers: ClinVar variation 4885705 (VCV004885705.2).
Genomic context (GRCh38, chr12:49,051,918, plus strand): 5'-ACAGAGGAGACTCTTCAAATGGTGGGAACAGACGAGATGCCTCCGGTGGTGGAGACATGG[G>A]TGACTCTTCAGGTGGAGGGGACATGGGTGACTCCTCAGGTGGTGGAGACAGGCGAGATGC-3'
Protein context (NP_003473.3, residues 579-599): SPMSPPPEES[Pro589Ser]MSPPPEASRL